The following is an entry in ClinVar:

NM_004360.5(CDH1):c.47A>T (p.Gln16Leu)

Gene: CDH1 (cadherin 1; plus strand). Cytogenetic location: 16q22.1.
Variant type: single nucleotide variant.
Coding change: c.47A>T on transcript NM_004360.5 (MANE Select); coding-DNA position 47, A replaced by T.
Protein change: p.Gln16Leu; replaces glutamine 16 with leucine.
Molecular consequence: missense variant. On other transcripts: 5 prime UTR variant (2).
Genome position (GRCh38, 1-based): chr16:68,737,462, A>T. VCF-style: chr16-68737462-A-T. GRCh37 (hg19) VCF-style: chr16-68771365-A-T.
Other names: c.47A>T, p.Gln16Leu (NM_001317184.2); c.-1569A>T (NM_001317185.2); c.-1773A>T (NM_001317186.2); short protein forms Q16L.
Identifiers: ClinVar variation 628144 (VCV000628144.13), dbSNP rs775705607, ClinGen allele CA396451425.

ClinVar aggregate classification (germline): Uncertain significance. Review status: criteria provided, multiple submitters, no conflicts (2 of 4 stars). 3 submissions from 3 submitters: Uncertain significance (3). Last evaluated 2024-08-15.

Conditions:
Hereditary cancer-predisposing syndrome. Also called: Tumor predisposition; Neoplastic Syndromes, Hereditary; Hereditary Cancer Syndrome; Hereditary neoplastic syndrome. Identifiers: Orphanet 140162, MedGen C0027672, MeSH D009386, MONDO:0015356.
Hereditary diffuse gastric adenocarcinoma (HDGC). Also called: DIFFUSE GASTRIC AND LOBULAR BREAST CANCER SYNDROME. Identifiers: Orphanet 26106, MedGen C1708349, MONDO:0007648, OMIM 137215.

Allele frequency attached by ClinVar (database versions not stated): gnomAD exomes below 0.00001.
gnomAD v4.1: 1 of 1,537,364 alleles (0.000065%); highest among the groups gnomAD compares: Non-Finnish European, 0.000087%; no homozygotes.

Submissions (3):

Ambry Genetics
Classification: Uncertain significance for Hereditary cancer-predisposing syndrome. Last evaluated: 2024-08-15. Review status: criteria provided, single submitter. Criteria: Ambry Variant Classification Scheme 2023. Collection method: clinical testing. Allele origin: germline.
Comment: The p.Q16L variant (also known as c.47A>T), located in coding exon 1 of the CDH1 gene, results from an A to T substitution at nucleotide position 47. The glutamine at codon 16 is replaced by leucine, an amino acid with dissimilar properties. This amino acid position is well conserved in available vertebrate species. In addition, this alteration is predicted to be tolerated by in silico analysis. Based on the available evidence, the clinical significance of this variant remains unclear.

Labcorp Genetics (formerly Invitae), Labcorp
Classification: Uncertain significance for Hereditary diffuse gastric adenocarcinoma. Last evaluated: 2019-07-04. Review status: criteria provided, single submitter. Criteria: Invitae Variant Classification Sherloc (09022015). Collection method: clinical testing. Allele origin: germline.
Comment: Algorithms developed to predict the effect of sequence changes on RNA splicing suggest that this variant may disrupt the consensus splice site, but this prediction has not been confirmed by published transcriptional studies. Algorithms developed to predict the effect of missense changes on protein structure and function are either unavailable or do not agree on the potential impact of this missense change (SIFT: "Deleterious"; PolyPhen-2: "Benign"; Align-GVGD: "Class C0"). This variant has not been reported in the literature in individuals with CDH1-related conditions. ClinVar contains an entry for this variant (Variation ID: 628144). The frequency data for this variant in the population databases is considered unreliable, as metrics indicate insufficient coverage at this position in the ExAC database. This sequence change replaces glutamine with leucine at codon 16 of the CDH1 protein (p.Gln16Leu). The glutamine residue is moderately conserved and there is a moderate physicochemical difference between glutamine and leucine. In summary, the available evidence is currently insufficient to determine the role of this variant in disease. Therefore, it has been classified as a Variant of Uncertain Significance.

Color Diagnostics, LLC DBA Color Health
Classification: Uncertain significance for Hereditary cancer-predisposing syndrome. Last evaluated: 2018-10-03. Review status: criteria provided, single submitter. Criteria: ACMG Guidelines, 2015. Collection method: clinical testing. Allele origin: germline.